The following is an entry in ClinVar:

ClinVar aggregate classification (germline): Uncertain significance (1 of 4 stars; one submission).

Conditions:
Hereditary cancer-predisposing syndrome. Also called: Tumor predisposition; Neoplastic Syndromes, Hereditary; Hereditary neoplastic syndrome; Hereditary Cancer Syndrome. Identifiers: Orphanet 140162, MedGen C0027672, MeSH D009386, MONDO:0015356.

gnomAD v4.1: 3 of 1,614,114 alleles (0.00019%); highest among the groups gnomAD compares: South Asian, 0.0033%; no homozygotes.

Submission:

Ambry Genetics
Classification: Uncertain significance for Hereditary cancer-predisposing syndrome. Last evaluated: 2024-09-21. Review status: criteria provided, single submitter. Criteria: Ambry Variant Classification Scheme 2023. Collection method: clinical testing. Allele origin: germline.
Comment: The p.K670R variant (also known as c.2009A>G), located in coding exon 11 of the BARD1 gene, results from an A to G substitution at nucleotide position 2009. The lysine at codon 670 is replaced by arginine, an amino acid with highly similar properties. This amino acid position is conserved. In addition, this alteration is predicted to be tolerated by in silico analysis. Based on the available evidence, the clinical significance of this variant remains unclear.

NM_000465.4(BARD1):c.2009A>G (p.Lys670Arg)

Gene: BARD1 (BRCA1 associated RING domain 1; minus strand). Cytogenetic location: 2q35.
Variant type: single nucleotide variant.
Coding change: c.2009A>G on transcript NM_000465.4 (MANE Select); coding-DNA position 2009, A replaced by G.
Protein change: p.Lys670Arg; replaces lysine 670 with arginine.
Molecular consequence: missense variant. On other transcripts: non-coding transcript variant (3).
Genome position (GRCh38, 1-based): chr2:214,729,001, T>C on the plus strand (A>G on the coding strand, the complement: BARD1 is on the minus strand). VCF-style: chr2-214729001-T-C. GRCh37 (hg19) VCF-style: chr2-215593725-T-C.
Other names: c.1952A>G, p.Lys651Arg (NM_001282543.2); c.656A>G, p.Lys219Arg (NM_001282545.2); c.599A>G, p.Lys200Arg (NM_001282548.2); c.470A>G, p.Lys157Arg (NM_001282549.2); short protein forms K157R, K200R, K219R, K651R, K670R.
Identifiers: ClinVar variation 3479725 (VCV003479725.1).
Genomic context (GRCh38, chr2:214,729,001, plus strand): 5'-TTGTCCTTTGGATGGTGTTTGAAGGTTCCCCACAAATAGAAGTAGCATCCATCAAACAGC[T>C]TTGGCAACTGAAATAATGAGAAAACATTTGTTAAAGGCAGATCAAAATACTGTATTCAAA-3'
Protein context (NP_000456.2, residues 660-680): SRLNREQLLP[Lys670Arg]LFDGCYFYLW